The following is an entry in ClinVar:

ClinVar aggregate classification (germline): Uncertain significance (1 of 4 stars; one submission).

Conditions:
Cystic fibrosis (CF). Also called: MUCOVISCIDOSIS. Identifiers: Orphanet 586, MedGen C0010674, MONDO:0009061, OMIM 219700. Disease mechanism: loss of function.

Allele frequency attached by ClinVar (database versions not stated): gnomAD exomes below 0.00001; TOPMed 0.00001; gnomAD 0.00001.
gnomAD v4.1: 3 of 1,613,676 alleles (0.00019%); highest among the groups gnomAD compares: African/African-American, 0.0027%; no homozygotes.

Submission:

Labcorp Genetics (formerly Invitae), Labcorp
Classification: Uncertain significance for Cystic fibrosis. Last evaluated: 2021-08-14. Review status: criteria provided, single submitter. Criteria: Invitae Variant Classification Sherloc (09022015). Collection method: clinical testing. Allele origin: germline.
Comment: This sequence change replaces phenylalanine with leucine at codon 17 of the CFTR protein (p.Phe17Leu). The phenylalanine residue is highly conserved and there is a small physicochemical difference between phenylalanine and leucine. This variant is not present in population databases (ExAC no frequency). This variant has not been reported in the literature in individuals affected with CFTR-related conditions. Algorithms developed to predict the effect of missense changes on protein structure and function are either unavailable or do not agree on the potential impact of this missense change (SIFT: "Deleterious"; PolyPhen-2: "Benign"; Align-GVGD: "Class C0"). In summary, the available evidence is currently insufficient to determine the role of this variant in disease. Therefore, it has been classified as a Variant of Uncertain Significance.

NM_000492.4(CFTR):c.49T>C (p.Phe17Leu)

Gene: CFTR (CF transmembrane conductance regulator; plus strand). Cytogenetic location: 7q31.2.
Variant type: single nucleotide variant.
Coding change: c.49T>C on transcript NM_000492.4 (MANE Select); coding-DNA position 49, T replaced by C.
Protein change: p.Phe17Leu; replaces phenylalanine 17 with leucine.
Molecular consequence: missense variant.
Genome position (GRCh38, 1-based): chr7:117,480,143, T>C. VCF-style: chr7-117480143-T-C. GRCh37 (hg19) VCF-style: chr7-117120197-T-C.
Other names: short protein forms F17L.
Identifiers: ClinVar variation 1502978 (VCV001502978.5), dbSNP rs779256353, ClinGen allele CA368981378.